The following is an entry in ClinVar:

NM_001267550.2(TTN):c.17473A>G (p.Ile5825Val)

Genes: TTN (titin; minus strand), LOC126806431 (CDK7 strongly-dependent group 2 enhancer GRCh37_chr2:179595719-179596918; plus strand). Cytogenetic location: 2q31.2.
Variant type: single nucleotide variant.
Coding change: c.17473A>G on transcript NM_001267550.2 (MANE Select); coding-DNA position 17473, A replaced by G.
Protein change: p.Ile5825Val; replaces isoleucine 5825 with valine.
Molecular consequence: missense variant. On other transcripts: intron variant (3).
Genome position (GRCh38, 1-based): chr2:178,731,192, T>C on the plus strand (A>G on the coding strand, the complement: TTN is on the minus strand). VCF-style: chr2-178731192-T-C. GRCh37 (hg19) VCF-style: chr2-179595919-T-C.
Other names: p.I5508V:ATC>GTC; c.16522A>G, p.Ile5508Val (NM_001256850.1); c.13741A>G, p.Ile4581Val (NM_133378.4); c.13282+6890A>G (NM_003319.4); c.13858+6890A>G (NM_133437.4); c.13657+6890A>G (NM_133432.3); short protein forms I5508V, I5825V, I4581V.
Identifiers: ClinVar variation 203263 (VCV000203263.2), dbSNP rs778914141, ClinGen allele CA311853.

ClinVar aggregate classification (germline): Uncertain significance (1 of 4 stars; one submission).

Allele frequency attached by ClinVar (database versions not stated): gnomAD exomes 0.00001 and 0.00002; TOPMed 0.00001; ExAC 0.00002.
gnomAD v4.1: 7 of 1,613,114 alleles (0.00043%); highest among the groups gnomAD compares: Admixed American, 0.0083%; no homozygotes.

Submission:

GeneDx
Classification: Uncertain significance. Last evaluated: 2014-03-06. Review status: criteria provided, single submitter. Criteria: GeneDx Variant Classification (06012015). Collection method: clinical testing. Allele origin: germline. Affected: yes.
Comment: Missense variants in the TTN gene are considered 'unclassified' if they are not previously reported in the literature and do not have >1% frequency in the population to be considered a polymorphism. Research indicates that truncating mutations in the TTN gene are expected to account for approximately 25% of familial and 18% of sporadic idiopathic DCM; however, truncating variants in the TTN gene have been reported in approximately 3% of reported control alleles. There has been little investigation into non-truncating variants. (Herman D et al. Truncations of titin causing dilated cardiomyopathy. N Eng J Med 366:619-628, 2012) The variant is found in CARDIOMYOPATHY panel(s).